The following is an entry in ClinVar:

ClinVar aggregate classification (germline): Likely benign. Review status: criteria provided, multiple submitters, no conflicts (2 of 4 stars). 3 submissions from 3 submitters: Likely benign (3). Last evaluated 2024-02-18.

Conditions:
Developmental and epileptic encephalopathy, 18 (DEE18). Also called: Early infantile epileptic encephalopathy 18. Identifiers: Orphanet 369894, MedGen C3809624, MONDO:0014201, OMIM 615476.

Allele frequency attached by ClinVar (database versions not stated): gnomAD exomes below 0.00001; ExAC 0.00002; TOPMed 0.00003; gnomAD 0.00006; 1000 Genomes Project 30x 0.00016; 1000 Genomes Project 0.00020.

Submissions (3):

Labcorp Genetics (formerly Invitae), Labcorp
Classification: Likely benign. Last evaluated: 2024-02-18. Review status: criteria provided, single submitter. Criteria: Invitae Variant Classification Sherloc (09022015). Collection method: clinical testing. Allele origin: germline.

CeGaT Center for Human Genetics Tuebingen
Classification: Likely benign. Last evaluated: 2023-09-01. Review status: criteria provided, single submitter. Criteria: CeGaT Center For Human Genetics Tuebingen Variant Classification Criteria Version 2. Collection method: clinical testing. Allele origin: germline. Affected: yes. Observed: 1 variant allele.
Comment: SZT2: BP4, BP7

Genome-Nilou Lab
Classification: Likely benign for Developmental and epileptic encephalopathy, 18. Last evaluated: 2023-04-11. Review status: criteria provided, single submitter. Criteria: ACMG Guidelines, 2015. Collection method: clinical testing. Allele origin: germline. Affected: no.

NM_001365999.1(SZT2):c.9339C>T (p.Tyr3113=)

Gene: SZT2 (SZT2 subunit of KICSTOR complex; plus strand). Cytogenetic location: 1p34.2.
Variant type: single nucleotide variant.
Coding change: c.9339C>T on transcript NM_001365999.1 (MANE Select); coding-DNA position 9339, C replaced by T.
Protein change: p.Tyr3113=; no amino-acid change (tyrosine 3113 retained).
Molecular consequence: synonymous variant.
Genome position (GRCh38, 1-based): chr1:43,447,597, C>T. VCF-style: chr1-43447597-C-T. GRCh37 (hg19) VCF-style: chr1-43913268-C-T.
Other names: c.9168C>T, p.Tyr3056= (NM_015284.4); c.780C>T, p.Tyr260= (NM_024547.1).
Identifiers: ClinVar variation 2037154 (VCV002037154.29), dbSNP rs567417929, ClinGen allele CA810885.